The following is an entry in ClinVar:

NM_201384.3(PLEC):c.4103C>T (p.Ala1368Val)

Gene: PLEC (plectin; minus strand). Cytogenetic location: 8q24.3.
Variant type: single nucleotide variant.
Coding change: c.4103C>T on transcript NM_201384.3 (MANE Select); coding-DNA position 4103, C replaced by T.
Protein change: p.Ala1368Val; replaces alanine 1368 with valine.
Molecular consequence: missense variant.
Genome position (GRCh38, 1-based): chr8:143,925,826, G>A on the plus strand (C>T on the coding strand, the complement: PLEC is on the minus strand). VCF-style: chr8-143925826-G-A. GRCh37 (hg19) VCF-style: chr8-144999994-G-A.
Other names: c.4184C>T (NM_000445.4, NM_000445.3); c.4184C>T, p.Ala1395Val (NM_000445.5); c.4061C>T, p.Ala1354Val (NM_201378.4); c.4037C>T, p.Ala1346Val (NM_201379.3); c.4514C>T, p.Ala1505Val (NM_201380.4); c.4007C>T, p.Ala1336Val (NM_201381.3); c.4103C>T, p.Ala1368Val (NM_201382.4); c.4115C>T, p.Ala1372Val (NM_201383.3); short protein forms A1336V, A1346V, A1354V, A1368V, A1372V, A1395V, A1505V.
Identifiers: ClinVar variation 497496 (VCV000497496.15), dbSNP rs782687982, ClinGen allele CA4926767.

ClinVar aggregate classification (germline): Uncertain significance. Review status: criteria provided, multiple submitters, no conflicts (2 of 4 stars). 5 submissions from 5 submitters: Uncertain significance (5). Last evaluated 2026-08-31.

Conditions:
Inborn genetic diseases. Identifiers: MedGen C0950123, MeSH D030342.
Autosomal recessive limb-girdle muscular dystrophy type 2Q (LGMDR17). Also called: MUSCULAR DYSTROPHY, LIMB-GIRDLE, AUTOSOMAL RECESSIVE 17. Identifiers: Orphanet 254361, MedGen C3150989, MONDO:0013390, OMIM 613723.
Epidermolysis bullosa simplex 5B, with muscular dystrophy (EBS5B). Also called: EPIDERMOLYSIS BULLOSA SIMPLEX AND LIMB-GIRDLE MUSCULAR DYSTROPHY; Epidermolysis bullosa simplex with muscular dystrophy. Identifiers: Orphanet 257, MedGen C2931072, MONDO:0009181, OMIM 226670.
Epidermolysis bullosa simplex, Ogna type (EBS5A). Also called: Pidermolysis bullosa simplex 5A, Ogna type; EPIDERMOLYSIS BULLOSA SIMPLEX 5A, OGNA TYPE. Identifiers: Orphanet 79401, MedGen C0432317, MONDO:0007555, OMIM 131950.
Epidermolysis bullosa simplex with nail dystrophy (EBS5D). Identifiers: MedGen C4225309, MONDO:0014661, OMIM 616487.
Epidermolysis bullosa simplex 5C, with pyloric atresia (EBS5C). Also called: PLEC-Related Epidermolysis Bullosa with Pyloric Atresia; Epidermolysis bullosa simplex with pyloric atresia; PLEC1-Related Epidermolysis Bullosa with Pyloric Atresia. Identifiers: Orphanet 158684, MedGen C2677349, MONDO:0012807, OMIM 612138.
PLEC-related disorder. Also called: PLEC-related disorders; PLEC-related condition.

Allele frequency attached by ClinVar (database versions not stated): gnomAD 0.00002 and 0.00003; ExAC 0.00004; gnomAD exomes 0.00004 and 0.00005; TOPMed 0.00005.
gnomAD v4.1: 68 of 1,559,972 alleles (0.0044%); highest among the groups gnomAD compares: Non-Finnish European, 0.0053%; no homozygotes.

Submissions (5):

PreventionGenetics, part of Exact Sciences
Classification: Uncertain significance for PLEC-related condition. Last evaluated: 2026-08-31. Review status: criteria provided, single submitter. Criteria: ACMG Guidelines, 2015. Collection method: clinical testing. Allele origin: germline.
Comment: The PLEC c.4184C>T variant is predicted to result in the amino acid substitution p.Ala1395Val. To our knowledge, this variant has not been reported in the literature. This variant is reported in 0.0075% of alleles in individuals of European (Non-Finnish) descent in gnomAD. At this time, the clinical significance of this variant is uncertain due to the absence of conclusive functional and genetic evidence.

Labcorp Genetics (formerly Invitae), Labcorp
Classification: Uncertain significance for Autosomal recessive limb-girdle muscular dystrophy type 2Q; Epidermolysis bullosa simplex, Ogna type; Epidermolysis bullosa simplex with nail dystrophy; Epidermolysis bullosa simplex 5C, with pyloric atresia; Epidermolysis bullosa simplex 5B, with muscular dystrophy. Last evaluated: 2025-07-02. Review status: criteria provided, single submitter. Criteria: Invitae Variant Classification Sherloc (09022015). Collection method: clinical testing. Allele origin: germline.
Comment: This sequence change replaces alanine, which is neutral and non-polar, with valine, which is neutral and non-polar, at codon 1395 of the PLEC protein (p.Ala1395Val). This variant is present in population databases (rs782687982, gnomAD 0.006%). This variant has not been reported in the literature in individuals affected with PLEC-related conditions. ClinVar contains an entry for this variant (Variation ID: 497496). Experimental studies and prediction algorithms are not available or were not evaluated, and the functional significance of this variant is currently unknown. In summary, the available evidence is currently insufficient to determine the role of this variant in disease. Therefore, it has been classified as a Variant of Uncertain Significance.

Ambry Genetics
Classification: Uncertain significance for Inborn genetic diseases. Last evaluated: 2022-12-13. Review status: criteria provided, single submitter. Criteria: Ambry Variant Classification Scheme 2023. Collection method: clinical testing. Allele origin: germline.

Revvity Omics, Revvity
Classification: Uncertain significance. Last evaluated: 2022-03-10. Review status: criteria provided, single submitter. Criteria: ACMG Guidelines, 2015. Collection method: clinical testing. Allele origin: germline.

Eurofins Ntd Llc (ga)
Classification: Uncertain significance. Last evaluated: 2016-10-16. Review status: criteria provided, single submitter. Criteria: EGL Classification Definitions 2015. Collection method: clinical testing. Allele origin: germline. Observed: 1 variant allele, 1 heterozygote.